The following is an entry in ClinVar:

ClinVar aggregate classification (germline): Conflicting classifications of pathogenicity. Review status: criteria provided, conflicting classifications (1 of 4 stars). 3 submissions from 3 submitters: Uncertain significance (2); Likely benign (1). Last evaluated 2025-05-19.

Allele frequency attached by ClinVar (database versions not stated): ExAC 0.00002; gnomAD exomes 0.00002; gnomAD 0.00004 and 0.00005; TOPMed 0.00004; 1000 Genomes Project 30x 0.00016; 1000 Genomes Project 0.00020.
gnomAD v4.1: 39 of 1,611,472 alleles (0.0024%); highest among the groups gnomAD compares: Middle Eastern, 0.017%; no homozygotes.

Submissions (3):

Women's Health and Genetics/Laboratory Corporation of America, LabCorp
Classification: Uncertain significance. Last evaluated: 2025-05-19. Review status: criteria provided, single submitter. Criteria: LabCorp Variant Classification Summary - May 2015. Collection method: clinical testing. Allele origin: germline.
Comment: Variant summary: TUBGCP6 c.1491C>T (p.Thr497Thr) alters a non-conserved nucleotide located close to a canonical splice site and therefore could affect mRNA splicing, leading to a significantly altered protein sequence. Consensus agreement among computation tools predict no significant impact on normal splicing. However, these predictions have yet to be confirmed by functional studies. The variant allele was found at a frequency of 1.6e-05 in 242606 control chromosomes. The available data on variant occurrences in the general population are insufficient to allow any conclusion about variant significance. To our knowledge, no occurrence of c.1491C>T in individuals affected with Microcephaly And Chorioretinopathy 1 and no experimental evidence demonstrating its impact on protein function have been reported. ClinVar contains an entry for this variant (Variation ID: 1404906). Based on the evidence outlined above, the variant was classified as uncertain significance.

Blueprint Genetics
Classification: Likely benign. Last evaluated: 2024-06-12. Review status: criteria provided, single submitter. Criteria: ACMG Guidelines, 2015. Collection method: clinical testing. Allele origin: germline.

Labcorp Genetics (formerly Invitae), Labcorp
Classification: Uncertain significance. Last evaluated: 2024-02-24. Review status: criteria provided, single submitter. Criteria: Invitae Variant Classification Sherloc (09022015). Collection method: clinical testing. Allele origin: germline.
Comment: This sequence change affects codon 497 of the TUBGCP6 mRNA. It is a 'silent' change, meaning that it does not change the encoded amino acid sequence of the TUBGCP6 protein. It affects a nucleotide within the consensus splice site. This variant is present in population databases (rs192038717, gnomAD 0.01%). This variant has not been reported in the literature in individuals affected with TUBGCP6-related conditions. ClinVar contains an entry for this variant (Variation ID: 1404906). Algorithms developed to predict the effect of sequence changes on RNA splicing suggest that this variant is not likely to affect RNA splicing. In summary, the available evidence is currently insufficient to determine the role of this variant in disease. Therefore, it has been classified as a Variant of Uncertain Significance.

NM_020461.4(TUBGCP6):c.1491C>T (p.Thr497=)

Gene: TUBGCP6 (tubulin gamma complex component 6; minus strand). Cytogenetic location: 22q13.33.
Variant type: single nucleotide variant.
Coding change: c.1491C>T on transcript NM_020461.4 (MANE Select); coding-DNA position 1491, C replaced by T.
Protein change: p.Thr497=; no amino-acid change (threonine 497 retained).
Molecular consequence: synonymous variant.
Genome position (GRCh38, 1-based): chr22:50,226,999, G>A on the plus strand (C>T on the coding strand, the complement: TUBGCP6 is on the minus strand). VCF-style: chr22-50226999-G-A. GRCh37 (hg19) VCF-style: chr22-50665428-G-A.
Identifiers: ClinVar variation 1404906 (VCV001404906.9), dbSNP rs192038717, ClinGen allele CA10308662.